The following is an entry in ClinVar:

ClinVar aggregate classification (germline): Conflicting classifications of pathogenicity. Review status: criteria provided, conflicting classifications (1 of 4 stars). 3 submissions from 3 submitters: Likely pathogenic (1); Uncertain significance (1). 1 of the submissions does not count toward it. Last evaluated 2023-05-11.

Conditions:
Usher syndrome type 3A (USH3A). Also called: USHER SYNDROME, TYPE IIIA. Identifiers: MedGen C5779850, MONDO:0010170, OMIM 276902.
Hearing impairment. Also called: Impaired Hearing. Identifiers: MedGen C1384666, MONDO:0005365, HP:0000365.

Allele frequency attached by ClinVar (database versions not stated): gnomAD exomes 0.00001.

Submissions (3):

Blueprint Genetics
Classification: Uncertain significance. Last evaluated: 2023-05-11. Review status: criteria provided, single submitter. Criteria: ACMG Guidelines, 2015. Collection method: clinical testing. Allele origin: germline.

Department of Otolaryngology – Head & Neck Surgery, Cochlear Implant Center
Classification: Likely pathogenic for Hearing impairment. Last evaluated: 2021-04-12. Review status: criteria provided, single submitter. Criteria: ClinGen HL ACMG Specifications v1. Collection method: clinical testing. Allele origin: germline. Affected: yes.
Comment: PVS1_Strong, PM2_Moderate

Counsyl
Classification: Likely pathogenic for Usher syndrome type 3A. Last evaluated: 2017-12-07. Review status: no assertion criteria provided. Collection method: clinical testing. Allele origin: unknown. Not counted in ClinVar's aggregate classification.

NM_174878.3(CLRN1):c.2T>C (p.Met1Thr)

Genes: CLRN1 (clarin 1; minus strand), CLRN1-AS1 (CLRN1 antisense RNA 1; plus strand). Cytogenetic location: 3q25.1.
Variant type: single nucleotide variant.
Coding change: c.2T>C on transcript NM_174878.3 (MANE Select); coding-DNA position 2, T replaced by C.
Protein change: p.Met1Thr; changes the start codon (methionine 1).
Molecular consequence: missense variant, initiator codon variant. On other transcripts: non-coding transcript variant (2).
Genome position (GRCh38, 1-based): chr3:150,972,707, A>G on the plus strand (T>C on the coding strand, the complement: CLRN1 is on the minus strand). VCF-style: chr3-150972707-A-G. GRCh37 (hg19) VCF-style: chr3-150690494-A-G.
Other names: c.2T>C, p.Met1Thr (NM_001195794.1, NM_001256819.2); short protein forms M1T.
Identifiers: ClinVar variation 555368 (VCV000555368.7), dbSNP rs1553776135, ClinGen allele CA355012325.
Genomic context (GRCh38, chr3:150,972,707, plus strand): 5'-GCACATGCAAAACTGAACACTCCGGCCATGCAAAAAATGATTTTCTTCTGTTGGCTTGGC[A>G]TGATGAGAAACGGCTTCTGTGAGGGCGAGGTTCAAAAACAAGACCTTTGTGAGCAATGGG-3'
Protein context (NP_777367.1, residues 1-11): [Met1Thr]PSQQKKIIFC